The following is an entry in ClinVar:

ClinVar aggregate classification (germline): Uncertain significance (1 of 4 stars; one submission).

Conditions:
Hereditary pancreatitis (PCTT). Also called: Hereditary chronic pancreatitis; PRSS1-Related Hereditary Pancreatitis. Identifiers: Orphanet 676, MedGen C0238339, MONDO:0008185, OMIM 167800.

gnomAD v4.1: 14 of 1,614,048 alleles (0.00087%); highest among the groups gnomAD compares: South Asian, 0.0099%; no homozygotes.

Submission:

Ambry Genetics
Classification: Uncertain significance for Hereditary pancreatitis. Last evaluated: 2025-07-28. Review status: criteria provided, single submitter. Criteria: Ambry Variant Classification Scheme 2023. Collection method: clinical testing. Allele origin: germline.
Comment: The c.576C>T variant (also known as p.G192G), located in coding exon 4 of the PRSS1 gene, results from a C to T substitution at nucleotide position 576. This nucleotide substitution does not change the amino acid at codon 192. This nucleotide position is not well conserved in available vertebrate species. In silico splice site analysis predicts that this alteration will weaken the native splice donor site and will result in the creation or strengthening of a novel splice donor site. Based on the available evidence, the clinical significance of this variant remains unclear.

NM_002769.5(PRSS1):c.576C>T (p.Gly192=)

Genes: PRSS1 (serine protease 1; plus strand), TRB (T cell receptor beta locus; plus strand). Cytogenetic location: 7q34.
Variant type: single nucleotide variant.
Coding change: c.576C>T on transcript NM_002769.5 (MANE Select); coding-DNA position 576, C replaced by T.
Protein change: p.Gly192=; no amino-acid change (glycine 192 retained).
Molecular consequence: synonymous variant. On other transcripts: non-coding transcript variant (5).
Genome position (GRCh38, 1-based): chr7:142,752,552, C>T. VCF-style: chr7-142752552-C-T. GRCh37 (hg19) VCF-style: chr7-142460403-C-T.
Identifiers: ClinVar variation 4145687 (VCV004145687.1).
Genomic context (GRCh38, chr7:142,752,552, plus strand): 5'-AGCCTCCTACCCTGGAAAGATTACCAGCAACATGTTCTGTGTGGGCTTCCTTGAGGGAGG[C>T]AAGGATTCATGTCAGGTGATTTGACCAACCCTTCCCATGCTGAGGCTCCCACTGATACCT-3'
Protein context (NP_002760.1, residues 182-202): NMFCVGFLEG[Gly192=]KDSCQGDSGG